The following is an entry in ClinVar:

ClinVar aggregate classification (germline): Conflicting classifications of pathogenicity. Review status: criteria provided, conflicting classifications (1 of 4 stars). 17 submissions from 16 submitters: Uncertain significance (14); Likely benign (2). 1 of the submissions does not count toward it. Last evaluated 2026-01-21.

Conditions:
Polymerase proofreading-related adenomatous polyposis. Also called: Polymerase proofreading associated polyposis; Polymerase proofreading–associated polyposis (PPAP). Identifiers: Orphanet 447877, MedGen C5202613, MONDO:0018653.
Familial colorectal cancer type X. Identifiers: Orphanet 440437, MedGen C3896578, MONDO:0018604.
POLE-related disorder. Also called: POLE-related disorders; POLE-related condition.
Intrauterine growth retardation, metaphyseal dysplasia, adrenal hypoplasia congenita, genital anomalies, and immunodeficiency. Also called: IMAGEI SYNDROME. Identifiers: MedGen C5193036, MONDO:0032684, OMIM 618336.
Facial dysmorphism-immunodeficiency-livedo-short stature syndrome. Also called: Facial dysmorphism, immunodeficiency, livedo, and short stature; FILS syndrome. Identifiers: Orphanet 352712, MedGen C3554576, MONDO:0014058, OMIM 615139.
Colorectal cancer, susceptibility to, 12 (CRCS12). Also called: COLORECTAL CANCER, SUSCEPTIBILITY TO, ON CHROMOSOME 12q24. Identifiers: Orphanet 220460, MedGen C3554460, MONDO:0014038, OMIM 615083.
Hereditary cancer. Identifiers: MedGen C1333600.
Hereditary cancer-predisposing syndrome. Also called: Neoplastic Syndromes, Hereditary; Hereditary neoplastic syndrome; Hereditary Cancer Syndrome; Tumor predisposition. Identifiers: Orphanet 140162, MedGen C0027672, MeSH D009386, MONDO:0015356.

Allele frequency attached by ClinVar (database versions not stated): ExAC 0.00006; gnomAD exomes 0.00012; TOPMed 0.00014; ESP Exome Variant Server 0.00015; gnomAD 0.00015 and 0.00016; 1000 Genomes Project 30x 0.00016; 1000 Genomes Project 0.00020.

Submissions (17):

Labcorp Genetics (formerly Invitae), Labcorp
Classification: Uncertain significance. Last evaluated: 2026-01-21. Review status: criteria provided, single submitter. Criteria: Invitae Variant Classification Sherloc (09022015). Collection method: clinical testing. Allele origin: germline.
Comment: This sequence change replaces arginine, which is basic and polar, with tryptophan, which is neutral and slightly polar, at codon 52 of the POLE protein (p.Arg52Trp). This variant is present in population databases (rs115452881, gnomAD 0.02%). This missense change has been observed in individual(s) with breast cancer (PMID: 35264596, 35534704). ClinVar contains an entry for this variant (Variation ID: 240396). Invitae Evidence Modeling of protein sequence and biophysical properties (such as structural, functional, and spatial information, amino acid conservation, physicochemical variation, residue mobility, and thermodynamic stability) indicates that this missense variant is expected to disrupt POLE protein function with a positive predictive value of 80%. In summary, the available evidence is currently insufficient to determine the role of this variant in disease. Therefore, it has been classified as a Variant of Uncertain Significance.

Center for Genomic Medicine, Rigshospitalet, Copenhagen University Hospital
Classification: Uncertain significance. Last evaluated: 2025-03-04. Review status: criteria provided, single submitter. Criteria: ACMG Guidelines, 2015. Collection method: clinical testing. Allele origin: germline.

PreventionGenetics, part of Exact Sciences
Classification: Uncertain significance for POLE-related condition. Last evaluated: 2025-02-24. Review status: criteria provided, single submitter. Criteria: ACMG Guidelines, 2015. Collection method: clinical testing. Allele origin: germline.
Comment: The POLE c.154C>T variant is predicted to result in the amino acid substitution p.Arg52Trp. This variant has been reported in multiple cohorts of individuals with a history breast and/or colorectal cancer and controls (See for example, Supplementary Table 3, Guindalini et al. 2022. PubMed ID: 35264596; Supplemental Table 6, Song et al. 2021. PubMed Link: 32546565; Henry et al. 2021. PubMed Link: 34830795). This variant is reported in 0.025% of alleles in individuals of Latino descent in gnomAD. This variant is interpreted as uncertain significance by the vast majority of submitters in ClinVar. At this time, the clinical significance of this variant is uncertain due to the absence of conclusive functional and genetic evidence.

Blueprint Genetics
Classification: Uncertain significance. Last evaluated: 2024-11-19. Review status: criteria provided, single submitter. Criteria: ACMG Guidelines, 2015. Collection method: clinical testing. Allele origin: germline.

GeneDx
Classification: Uncertain significance. Last evaluated: 2024-10-15. Review status: criteria provided, single submitter. Criteria: GeneDx Variant Classification Process June 2021. Collection method: clinical testing. Allele origin: germline. Affected: yes.
Comment: In silico analysis supports that this missense variant has a deleterious effect on protein structure/function; This variant is associated with the following publications: (PMID: 30849372, 35264596, 35534704)

Ambry Genetics
Classification: Uncertain significance for Hereditary cancer-predisposing syndrome. Last evaluated: 2024-08-23. Review status: criteria provided, single submitter. Criteria: Ambry Variant Classification Scheme 2023. Collection method: clinical testing. Allele origin: germline.
Comment: The p.R52W variant (also known as c.154C>T), located in coding exon 2 of the POLE gene, results from a C to T substitution at nucleotide position 154. The arginine at codon 52 is replaced by tryptophan, an amino acid with dissimilar properties. This amino acid position is highly conserved in available vertebrate species. In addition, the in silico prediction for this alteration is inconclusive. Based on the available evidence, the clinical significance of this variant remains unclear.

Fulgent Genetics
Classification: Uncertain significance for Colorectal cancer, susceptibility to, 12; Facial dysmorphism-immunodeficiency-livedo-short stature syndrome; Intrauterine growth retardation, metaphyseal dysplasia, adrenal hypoplasia congenita, genital anomalies, and immunodeficiency. Last evaluated: 2024-02-01. Review status: criteria provided, single submitter. Criteria: ACMG Guidelines, 2015. Collection method: clinical testing. Allele origin: germline.

Mendelics
Classification: Likely benign for Hereditary cancer. Last evaluated: 2024-01-23. Review status: criteria provided, single submitter. Criteria: ACMG Guidelines, 2015. Collection method: clinical testing. Allele origin: unknown.

Department of Pathology and Laboratory Medicine, Sinai Health System
Classification: Uncertain significance for Polymerase proofreading-related adenomatous polyposis; Familial colorectal cancer type X. Last evaluated: 2023-09-18. Review status: criteria provided, single submitter. Criteria: ACMG Guidelines, 2015. Collection method: clinical testing. Allele origin: germline. Affected: yes.

St. Jude Molecular Pathology, St. Jude Children's Research Hospital
Classification: Uncertain significance for Colorectal cancer, susceptibility to, 12. Last evaluated: 2022-09-28. Review status: criteria provided, single submitter. Criteria: St. Jude Assertion Criteria 2020. Collection method: clinical testing. Allele origin: germline.
Comment: The POLE c.154C>T (p.Arg52Trp) missense change has a maximum subpopulation frequency of 0.025% in gnomAD v2.1.1. The in silico tool REVEL is inconclusive about a pathogenic or benign effect of this variant on protein function, and to our knowledge functional studies have not been performed. To our knowledge, this variant has not been reported in the literature in individuals with POLE-related disease. In summary, the evidence currently available is insufficient to determine the clinical significance of this variant. It has therefore been classified as of uncertain significance.

Mayo Clinic Laboratories, Mayo Clinic
Classification: Uncertain significance. Last evaluated: 2022-06-30. Review status: criteria provided, single submitter. Criteria: ACMG Guidelines, 2015. Collection method: clinical testing. Allele origin: germline. Observed: 1 variant allele.

Clinical Genetics Laboratory, Skane University Hospital Lund
Classification: Uncertain significance. Last evaluated: 2022-05-27. Review status: criteria provided, single submitter. Criteria: ACMG Guidelines, 2015. Collection method: clinical testing. Allele origin: germline. Affected: yes.

Baylor Genetics
Classification: Uncertain significance for Colorectal cancer, susceptibility to, 12. Last evaluated: 2020-12-13. Review status: criteria provided, single submitter. Criteria: ACMG Guidelines, 2015. Collection method: clinical testing. Allele origin: unknown. Affected: yes. Study: CSER-TexasKidsCanSeq.
Comment: This variant was determined to be of uncertain significance according to ACMG Guidelines, 2015 [PMID:25741868].

Sema4
Classification: Likely benign for Hereditary cancer-predisposing syndrome. Last evaluated: 2020-10-12. Review status: criteria provided, single submitter. Criteria: Sema4 Curation Guidelines. Collection method: curation. Allele origin: germline.

Fulgent Genetics
Classification: Uncertain significance for Colorectal cancer, susceptibility to, 12; Facial dysmorphism-immunodeficiency-livedo-short stature syndrome. Last evaluated: 2018-10-31. Review status: criteria provided, single submitter. Criteria: ACMG Guidelines, 2015. Collection method: clinical testing. Allele origin: unknown.

Quest Diagnostics Nichols Institute San Juan Capistrano
Classification: Uncertain significance. Last evaluated: 2017-10-07. Review status: criteria provided, single submitter. Criteria: Quest Diagnostics criteria. Collection method: clinical testing. Allele origin: germline.

True Health Diagnostics
Classification: Uncertain significance for Hereditary cancer-predisposing syndrome. Last evaluated: 2018-09-12. Review status: no assertion criteria provided. Collection method: clinical testing. Allele origin: germline. Not counted in ClinVar's aggregate classification.

Literature cited by the submitters: PubMed 35264596 (cited by Labcorp Genetics (formerly Invitae), Labcorp); PubMed 35534704 (cited by Labcorp Genetics (formerly Invitae), Labcorp).

NM_006231.4(POLE):c.154C>T (p.Arg52Trp)

Gene: POLE (DNA polymerase epsilon, catalytic subunit; minus strand). Cytogenetic location: 12q24.33.
Variant type: single nucleotide variant.
Coding change: c.154C>T on transcript NM_006231.4 (MANE Select); coding-DNA position 154, C replaced by T.
Protein change: p.Arg52Trp; replaces arginine 52 with tryptophan.
Molecular consequence: missense variant.
Genome position (GRCh38, 1-based): chr12:132,681,188, G>A on the plus strand (C>T on the coding strand, the complement: POLE is on the minus strand). VCF-style: chr12-132681188-G-A. GRCh37 (hg19) VCF-style: chr12-133257774-G-A.
Other names: p.Arg52Trp; short protein forms R52W.
Identifiers: ClinVar variation 240396 (VCV000240396.43), dbSNP rs115452881, ClinGen allele CA6894430.